The following is an entry in ClinVar:

ClinVar aggregate classification (germline): Likely benign (1 of 4 stars; one submission).

Conditions:
Leigh syndrome (NULS). Also called: LEIGH SYNDROME, NUCLEAR; Leigh's necrotizing encephalopathy; Leigh's disease; Leigh Syndrome (mtDNA deletion); Leigh's syndrome; Leigh Disease. Identifiers: Orphanet 506, MedGen C2931891, MONDO:0009723, OMIM 256000.

Submission:

Wong Mito Lab, Molecular and Human Genetics, Baylor College of Medicine
Classification: Likely benign for Leigh syndrome. Last evaluated: 2019-10-17. Review status: criteria provided, single submitter. Criteria: Modified ACMG Guidelines (Unpublished). Collection method: clinical testing. Allele origin: germline.
Comment: The NC_012920.1:m.9157G>A (YP_003024031.1:p.Ala211Thr) variant in MTATP6 gene is interpretated to be a Likely Benign variant based on the modified ACMG guidelines (unpublished). This variant meets the following evidence codes: BS4, BP5, BP6

NC_012920.1(MT-ATP6):m.9157G>A

Gene: MT-ATP6 (mitochondrially encoded ATP synthase 6; plus strand).
Variant type: single nucleotide variant.
Genome position: chrM-9157-G-A.
Identifiers: ClinVar variation 441146 (VCV000441146.4), dbSNP rs1556423625, ClinGen allele CA414802320.